The following is an entry in ClinVar:

ClinVar aggregate classification (germline): Uncertain significance. Review status: criteria provided, multiple submitters, no conflicts (2 of 4 stars). 3 submissions from 3 submitters: Uncertain significance (3). Last evaluated 2025-07-24.

Conditions:
Alagille syndrome due to a NOTCH2 point mutation. Also called: Alagille syndrome 2. Identifiers: Orphanet 261629, Orphanet 52, MedGen C1857761, MONDO:0012439, OMIM 610205.
Hajdu-Cheney syndrome (HJCYS). Also called: ACROOSTEOLYSIS WITH OSTEOPOROSIS AND CHANGES IN SKULL AND MANDIBLE; Acroosteolysis dominant type; SERPENTINE FIBULA-POLYCYSTIC KIDNEY SYNDROME. Identifiers: Orphanet 955, MedGen C0917715, MONDO:0007057, OMIM 102500.
NOTCH2-related disorder. Also called: NOTCH2-related condition.

gnomAD v4.1: 1 of 1,614,144 alleles (0.000062%); highest among the groups gnomAD compares: Non-Finnish European, 0.000085%; no homozygotes.

Submissions (3):

PreventionGenetics, part of Exact Sciences
Classification: Uncertain significance for NOTCH2-related condition. Last evaluated: 2025-07-24. Review status: criteria provided, single submitter. Criteria: ACMG Guidelines, 2015. Collection method: clinical testing. Allele origin: germline.
Comment: The NOTCH2 c.6592G>A variant is predicted to result in the amino acid substitution p.Ala2198Thr. To our knowledge, this variant has not been reported in the literature. This variant is reported in 0.00088% of alleles in individuals of European (Non-Finnish) descent in gnomAD. At this time, the clinical significance of this variant is uncertain due to the absence of conclusive functional and genetic evidence.

Fulgent Genetics
Classification: Uncertain significance for Hajdu-Cheney syndrome; Alagille syndrome due to a NOTCH2 point mutation. Last evaluated: 2024-04-08. Review status: criteria provided, single submitter. Criteria: ACMG Guidelines, 2015. Collection method: clinical testing. Allele origin: germline.

Blueprint Genetics
Classification: Uncertain significance. Last evaluated: 2020-04-07. Review status: criteria provided, single submitter. Criteria: ACMG Guidelines, 2015. Collection method: clinical testing. Allele origin: germline.

NM_024408.4(NOTCH2):c.6592G>A (p.Ala2198Thr)

Gene: NOTCH2 (notch receptor 2; minus strand). Cytogenetic location: 1p12.
Variant type: single nucleotide variant.
Coding change: c.6592G>A on transcript NM_024408.4 (MANE Select); coding-DNA position 6592, G replaced by A.
Protein change: p.Ala2198Thr; replaces alanine 2198 with threonine.
Molecular consequence: missense variant.
Genome position (GRCh38, 1-based): chr1:119,916,130, C>T on the plus strand (G>A on the coding strand, the complement: NOTCH2 is on the minus strand). VCF-style: chr1-119916130-C-T. GRCh37 (hg19) VCF-style: chr1-120458753-C-T.
Other names: c.6592G>A (NM_024408.3); short protein forms A2198T.
Identifiers: ClinVar variation 3581921 (VCV003581921.3).
Genomic context (GRCh38, chr1:119,916,130, plus strand): 5'-GCACAGTGCTGGCCCCATGTGCCAAAGGCTGCATTTCATGAAGGTTAGAAAAAGATAGTG[C>T]ATGCTGGGCATGGACTGGGGCAGGAGGGGCGGCAGTGGCCAACATAGGGTTGGGTGAGGC-3'
Protein context (NP_077719.2, residues 2188-2208): APPAPVHAQH[Ala2198Thr]LSFSNLHEMQ